The following is an entry in ClinVar:

ClinVar aggregate classification (germline): Uncertain significance (1 of 4 stars; one submission).

Submission:

Laboratory for Molecular Medicine, Mass General Brigham Personalized Medicine
Classification: Uncertain significance. Last evaluated: 2018-06-04. Review status: criteria provided, single submitter. Criteria: LMM Criteria. Collection method: clinical testing. Allele origin: germline. Observed: 1 variant allele.
Comment: The p.Pro4628Ala variant in USH2A has not been previously reported in individual s with hearing loss and was absent from large population studies. Computational prediction tools and conservation analysis suggest that this variant may not imp act the protein, though this information is not predictive enough to rule out pa thogenicity. In summary, the clinical significance of the p.Pro4628Ala variant i s uncertain. ACMG/AMP criteria applied: PM2, BP4.

NM_206933.4(USH2A):c.13882C>G (p.Pro4628Ala)

Gene: USH2A (usherin; minus strand). Cytogenetic location: 1q41.
Variant type: single nucleotide variant.
Coding change: c.13882C>G on transcript NM_206933.4 (MANE Select); coding-DNA position 13882, C replaced by G.
Protein change: p.Pro4628Ala; replaces proline 4628 with alanine.
Molecular consequence: missense variant.
Genome position (GRCh38, 1-based): chr1:215,671,223, G>C on the plus strand (C>G on the coding strand, the complement: USH2A is on the minus strand). VCF-style: chr1-215671223-G-C. GRCh37 (hg19) VCF-style: chr1-215844565-G-C.
Other names: short protein forms P4628A.
Identifiers: ClinVar variation 666947 (VCV000666947.4), dbSNP rs1571945599, ClinGen allele CA344841589.